The following is an entry in ClinVar:

NM_001849.4(COL6A2):c.2716G>A (p.Glu906Lys)

Gene: COL6A2 (collagen type VI alpha 2 chain; plus strand). Cytogenetic location: 21q22.3.
Variant type: single nucleotide variant.
Coding change: c.2716G>A on transcript NM_001849.4 (MANE Select); coding-DNA position 2716, G replaced by A.
Protein change: p.Glu906Lys; replaces glutamic acid 906 with lysine.
Molecular consequence: missense variant.
Genome position (GRCh38, 1-based): chr21:46,132,208, G>A. VCF-style: chr21-46132208-G-A. GRCh37 (hg19) VCF-style: chr21-47552122-G-A.
Other names: short protein forms E906K.
Identifiers: ClinVar variation 3704143 (VCV003704143.2).

ClinVar aggregate classification (germline): Uncertain significance (1 of 4 stars; one submission).

Conditions:
Bethlem myopathy 1A. Also called: MYOPATHY, BENIGN CONGENITAL, WITH CONTRACTURES; Bethlem myopathy 1; Bethlem Muscular Dystrophy. Identifiers: Orphanet 610, MedGen CN029274, MONDO:0024530, OMIM 158810.

gnomAD v4.1: 4 of 1,588,540 alleles (0.00025%); highest among the groups gnomAD compares: African/African-American, 0.0013%; no homozygotes.

Submission:

Labcorp Genetics (formerly Invitae), Labcorp
Classification: Uncertain significance for Bethlem myopathy 1A. Last evaluated: 2025-09-17. Review status: criteria provided, single submitter. Criteria: Invitae Variant Classification Sherloc (09022015). Collection method: clinical testing. Allele origin: germline.
Comment: This sequence change replaces glutamic acid, which is acidic and polar, with lysine, which is basic and polar, at codon 906 of the COL6A2 protein (p.Glu906Lys). This variant is present in population databases (rs142442045, gnomAD 0.002%). This variant has not been reported in the literature in individuals affected with COL6A2-related conditions. ClinVar contains an entry for this variant (Variation ID: 3704143). Invitae Evidence Modeling of protein sequence and biophysical properties (such as structural, functional, and spatial information, amino acid conservation, physicochemical variation, residue mobility, and thermodynamic stability) indicates that this missense variant is not expected to disrupt COL6A2 protein function with a negative predictive value of 80%. In summary, the available evidence is currently insufficient to determine the role of this variant in disease. Therefore, it has been classified as a Variant of Uncertain Significance.